The following is an entry in ClinVar:

ClinVar aggregate classification (germline): Likely benign. Review status: criteria provided, multiple submitters, no conflicts (2 of 4 stars). 2 submissions from 2 submitters: Likely benign (2). Last evaluated 2025-06-27.

Conditions:
Hereditary leiomyomatosis and renal cell cancer. Also called: Familial leiomyomatosis; FH tumor predisposition syndrome; MULTIPLE CUTANEOUS AND UTERINE LEIOMYOMATA 1, WITH OR WITHOUT RENAL CELL CARCINOMA; LEIOMYOMA, MULTIPLE CUTANEOUS; Reed syndrome; Multiple cutaneous and uterine leiomyomatosis. Identifiers: Orphanet 523, MedGen C1708350, MONDO:0007888, OMIM 150800, HP:0007437. Disease mechanism: loss of function.

Submissions (2):

Labcorp Genetics (formerly Invitae), Labcorp
Classification: Likely benign. Last evaluated: 2025-06-27. Review status: criteria provided, single submitter. Criteria: Invitae Variant Classification Sherloc (09022015). Collection method: clinical testing. Allele origin: germline.

Myriad Genetics, Inc.
Classification: Likely benign for Hereditary leiomyomatosis and renal cell cancer. Last evaluated: 2024-10-21. Review status: criteria provided, single submitter. Criteria: Myriad Autosomal Dominant, Autosomal Recessive and X-Linked Classification Criteria (2023). Collection method: clinical testing. Allele origin: unknown.
Comment: This variant is considered likely benign. This variant is intronic and is not expected to impact mRNA splicing.

NM_000143.4(FH):c.1236+8T>G

Gene: FH (fumarate hydratase; minus strand). Cytogenetic location: 1q43.
Variant type: single nucleotide variant.
Coding change: c.1236+8T>G on transcript NM_000143.4 (MANE Select); 8 bases into the intron after coding-DNA position 1236, T replaced by G.
Molecular consequence: intron variant.
Genome position (GRCh38, 1-based): chr1:241,502,435, A>C on the plus strand (T>G on the coding strand, the complement: FH is on the minus strand). VCF-style: chr1-241502435-A-C. GRCh37 (hg19) VCF-style: chr1-241665735-A-C.
Identifiers: ClinVar variation 2877349 (VCV002877349.4), dbSNP rs2527316481, ClinGen allele CA2538474263.
Genomic context (GRCh38, chr1:241,502,435, plus strand): 5'-TATGAAATACAAAACCAAGATAATAAGCCTTTGGTCAAAAAACATTAAAAATCAGATTTA[A>C]AGCTTACCATCATTGGCTTGAAAACATTCAACTCAAAATGTCCATTGCTGCCTCCGACAG-3'